The following is an entry in ClinVar:

NM_004859.4(CLTC):c.346_347del (p.Leu116fs)

Gene: CLTC (clathrin heavy chain; plus strand). Cytogenetic location: 17q23.1.
Variant type: Deletion.
Coding change: c.346_347del on transcript NM_004859.4 (MANE Select); coding-DNA positions 346 to 347, 2 bases deleted (TT; older notation c.346_347delTT).
Protein change: p.Leu116fs; shifts the reading frame from leucine 116.
Molecular consequence: frameshift variant.
Genome position (GRCh38, 1-based): chr17:59,647,493-59,647,494, TT deleted; deleting any 2 consecutive bases within chr17:59,647,492-59,647,494 gives the same sequence; the c. name uses the placement nearest the transcript's 3' end. VCF-style (leftmost placement, unchanged base first): chr17-59647491-CTT-C. GRCh37 (hg19) VCF-style: chr17-57724852-CTT-C.
Other names: c.358_359del, p.Leu120fs (NM_001288653.2); short protein forms L116fs, L120fs.
Identifiers: ClinVar variation 3236797 (VCV003236797.2), dbSNP rs2509361365.

ClinVar aggregate classification (germline): Conflicting classifications of pathogenicity. Review status: criteria provided, conflicting classifications (1 of 4 stars). 2 submissions from 2 submitters: Likely pathogenic (1); Uncertain significance (1). Last evaluated 2024-07-23.

Conditions:
Intellectual developmental disorder, autosomal dominant 56. Also called: MENTAL RETARDATION, AUTOSOMAL DOMINANT 56; Intellectual disability, autosomal dominant 56. Identifiers: MedGen C4693389, MONDO:0030922, OMIM 617854.

Submissions (2):

Blueprint Genetics
Classification: Uncertain significance. Last evaluated: 2024-07-23. Review status: criteria provided, single submitter. Criteria: ACMG Guidelines, 2015. Collection method: clinical testing. Allele origin: germline.

MVZ Medizinische Genetik Mainz
Classification: Likely pathogenic for Intellectual developmental disorder, autosomal dominant 56. Last evaluated: 2023-09-27. Review status: criteria provided, single submitter. Criteria: UK Practice Guidelines For Variant Classification V4 01 2020. Collection method: clinical testing. Allele origin: germline. Inheritance: Autosomal dominant inheritance. Affected: yes. Observed: 1 variant allele.
Comment: ACMG Criteria: PVS1,PM2_SUP